The following is an entry in ClinVar:

NM_003072.5(SMARCA4):c.4204G>A (p.Glu1402Lys)

Gene: SMARCA4 (SWI/SNF related BAF chromatin remodeling complex subunit ATPase 4; plus strand). Cytogenetic location: 19p13.2.
Variant type: single nucleotide variant.
Coding change: c.4204G>A on transcript NM_003072.5 (MANE Select); coding-DNA position 4204, G replaced by A.
Protein change: p.Glu1402Lys; replaces glutamic acid 1402 with lysine.
Molecular consequence: missense variant. On other transcripts: non-coding transcript variant (1).
Genome position (GRCh38, 1-based): chr19:11,041,340, G>A. VCF-style: chr19-11041340-G-A. GRCh37 (hg19) VCF-style: chr19-11152016-G-A.
Other names: c.4204G>A, p.Glu1402Lys (NM_001128844.3); c.4114G>A, p.Glu1372Lys (NM_001128845.2, NM_001128846.2); c.4105G>A, p.Glu1369Lys (NM_001128847.4, NM_001128848.2, NM_001374457.1); c.4300G>A, p.Glu1434Lys (NM_001128849.3, NM_001387283.1); c.4201G>A, p.Glu1401Lys (NM_001411150.1); short protein forms E1369K, E1372K, E1401K, E1402K, E1434K.
Identifiers: ClinVar variation 2679006 (VCV002679006.4), dbSNP rs2146814087, ClinGen allele CA404072836.

ClinVar aggregate classification (germline): Uncertain significance. Review status: criteria provided, multiple submitters, no conflicts (2 of 4 stars). 2 submissions from 2 submitters: Uncertain significance (2). Last evaluated 2023-11-20.

Conditions:
Rhabdoid tumor predisposition syndrome 2 (RTPS2). Identifiers: Orphanet 231108, Orphanet 69077, MedGen C2750074, MONDO:0013224, OMIM 613325.

Submissions (2):

Labcorp Genetics (formerly Invitae), Labcorp
Classification: Uncertain significance for Rhabdoid tumor predisposition syndrome 2. Last evaluated: 2023-11-20. Review status: criteria provided, single submitter. Criteria: Invitae Variant Classification Sherloc (09022015). Collection method: clinical testing. Allele origin: germline.
Comment: This sequence change replaces glutamic acid, which is acidic and polar, with lysine, which is basic and polar, at codon 1434 of the SMARCA4 protein (p.Glu1434Lys). This variant is not present in population databases (gnomAD no frequency). This variant has not been reported in the literature in individuals affected with SMARCA4-related conditions. Advanced modeling of protein sequence and biophysical properties (such as structural, functional, and spatial information, amino acid conservation, physicochemical variation, residue mobility, and thermodynamic stability) has been performed at Invitae for this missense variant, however the output from this modeling did not meet the statistical confidence thresholds required to predict the impact of this variant on SMARCA4 protein function. In summary, the available evidence is currently insufficient to determine the role of this variant in disease. Therefore, it has been classified as a Variant of Uncertain Significance.

Baylor Genetics
Classification: Uncertain significance for Rhabdoid tumor predisposition syndrome 2. Last evaluated: 2023-09-08. Review status: criteria provided, single submitter. Criteria: ACMG Guidelines, 2015. Collection method: clinical testing. Allele origin: unknown.